The following is an entry in ClinVar:

NM_206933.4(USH2A):c.15053-3C>T

Gene: USH2A (usherin; minus strand). Cytogenetic location: 1q41.
Variant type: single nucleotide variant.
Coding change: c.15053-3C>T on transcript NM_206933.4 (MANE Select); 3 bases into the intron before coding-DNA position 15053, C replaced by T.
Molecular consequence: intron variant.
Genome position (GRCh38, 1-based): chr1:215,634,706, G>A on the plus strand (C>T on the coding strand, the complement: USH2A is on the minus strand). VCF-style: chr1-215634706-G-A. GRCh37 (hg19) VCF-style: chr1-215808048-G-A.
Identifiers: ClinVar variation 1995237 (VCV001995237.4), dbSNP rs763274403, ClinGen allele CA2580062051.

ClinVar aggregate classification (germline): Uncertain significance (1 of 4 stars; one submission).

Allele frequency attached by ClinVar (database versions not stated): gnomAD exomes below 0.00001.
gnomAD v4.1: 1 of 1,614,218 alleles (0.000062%); highest among the groups gnomAD compares: Non-Finnish European, 0.000085%; no homozygotes.

Submission:

Labcorp Genetics (formerly Invitae), Labcorp
Classification: Uncertain significance. Last evaluated: 2024-10-24. Review status: criteria provided, single submitter. Criteria: Invitae Variant Classification Sherloc (09022015). Collection method: clinical testing. Allele origin: germline.
Comment: This sequence change falls in intron 69 of the USH2A gene. It does not directly change the encoded amino acid sequence of the USH2A protein. It affects a nucleotide within the consensus splice site. This variant is not present in population databases (gnomAD no frequency). This variant has not been reported in the literature in individuals affected with USH2A-related conditions. ClinVar contains an entry for this variant (Variation ID: 1995237). Variants that disrupt the consensus splice site are a relatively common cause of aberrant splicing (PMID: 17576681, 9536098). Algorithms developed to predict the effect of sequence changes on RNA splicing suggest that this variant is not likely to affect RNA splicing. In summary, the available evidence is currently insufficient to determine the role of this variant in disease. Therefore, it has been classified as a Variant of Uncertain Significance.

Literature cited by the submitters: PubMed 17576681; PubMed 9536098.